The following is an entry in ClinVar:

NM_000168.6(GLI3):c.614G>A (p.Arg205His)

Gene: GLI3 (GLI family zinc finger 3; minus strand). Cytogenetic location: 7p14.1.
Variant type: single nucleotide variant.
Coding change: c.614G>A on transcript NM_000168.6 (MANE Select); coding-DNA position 614, G replaced by A.
Protein change: p.Arg205His; replaces arginine 205 with histidine.
Molecular consequence: missense variant.
Genome position (GRCh38, 1-based): chr7:42,048,556, C>T on the plus strand (G>A on the coding strand, the complement: GLI3 is on the minus strand). VCF-style: chr7-42048556-C-T. GRCh37 (hg19) VCF-style: chr7-42088155-C-T.
Other names: c.614G>A (NM_000168.5); short protein forms R205H.
Identifiers: ClinVar variation 2189684 (VCV002189684.5), dbSNP rs749940791, ClinGen allele CA4231132.
Genomic context (GRCh38, chr7:42,048,556, plus strand): 5'-GTAGGGCTCAGCCCACGGGTTGCTGAGATCATGGAGAGCGATGGGCTGCTGTGCAAGGAG[C>T]GGATATAGTCCATGTAGGGATTAATGTAGGGATGTGGAGGGCTGAAGGGAGACTCGGAAG-3'
Protein context (NP_000159.3, residues 195-215): PYINPYMDYI[Arg205His]SLHSSPSLSM

ClinVar aggregate classification (germline): Uncertain significance. Review status: criteria provided, multiple submitters, no conflicts (2 of 4 stars). 2 submissions from 2 submitters: Uncertain significance (2). Last evaluated 2024-09-09.

Conditions:
Inborn genetic diseases. Identifiers: MedGen C0950123, MeSH D030342.
Pallister-Hall syndrome (PHS). Also called: HYPOTHALAMIC HAMARTOBLASTOMA, HYPOPITUITARISM, IMPERFORATE ANUS, AND POSTAXIAL POLYDACTYLY; GLI3-Related Pallister-Hall Syndrome. Identifiers: Orphanet 672, MedGen C0265220, MONDO:0007804, OMIM 146510.
Greig cephalopolysyndactyly syndrome (GCPS). Also called: POLYSYNDACTYLY WITH PECULIAR SKULL SHAPE; Greig syndrome; GLI3-Related Greig Cephalopolysyndactyly Syndrome. Identifiers: Orphanet 380, MedGen C0265306, MONDO:0008287, OMIM 175700.

Allele frequency attached by ClinVar (database versions not stated): ExAC 0.00002.
gnomAD v4.1: 17 of 1,612,636 alleles (0.0011%); highest among the groups gnomAD compares: South Asian, 0.0022%; no homozygotes.

Submissions (2):

Ambry Genetics
Classification: Uncertain significance for Inborn genetic diseases. Last evaluated: 2024-09-09. Review status: criteria provided, single submitter. Criteria: Ambry Variant Classification Scheme 2023. Collection method: clinical testing. Allele origin: germline.

Labcorp Genetics (formerly Invitae), Labcorp
Classification: Uncertain significance for Pallister-Hall syndrome; Greig cephalopolysyndactyly syndrome. Last evaluated: 2024-04-11. Review status: criteria provided, single submitter. Criteria: Invitae Variant Classification Sherloc (09022015). Collection method: clinical testing. Allele origin: germline.
Comment: This sequence change replaces arginine, which is basic and polar, with histidine, which is basic and polar, at codon 205 of the GLI3 protein (p.Arg205His). This variant is present in population databases (rs749940791, gnomAD 0.002%). This variant has not been reported in the literature in individuals affected with GLI3-related conditions. ClinVar contains an entry for this variant (Variation ID: 2189684). Advanced modeling of protein sequence and biophysical properties (such as structural, functional, and spatial information, amino acid conservation, physicochemical variation, residue mobility, and thermodynamic stability) performed at Invitae indicates that this missense variant is expected to disrupt GLI3 protein function with a positive predictive value of 80%. In summary, the available evidence is currently insufficient to determine the role of this variant in disease. Therefore, it has been classified as a Variant of Uncertain Significance.